The following is an entry in ClinVar:

NM_000368.5(TSC1):c.1379C>T (p.Pro460Leu)

Gene: TSC1 (TSC complex subunit 1; minus strand). Cytogenetic location: 9q34.13.
Variant type: single nucleotide variant.
Coding change: c.1379C>T on transcript NM_000368.5 (MANE Select); coding-DNA position 1379, C replaced by T.
Protein change: p.Pro460Leu; replaces proline 460 with leucine.
Molecular consequence: missense variant. On other transcripts: non-coding transcript variant (5).
Genome position (GRCh38, 1-based): chr9:132,906,790, G>A on the plus strand (C>T on the coding strand, the complement: TSC1 is on the minus strand). VCF-style: chr9-132906790-G-A. GRCh37 (hg19) VCF-style: chr9-135782177-G-A.
Other names: c.1376C>T, p.Pro459Leu (NM_001162426.2, NM_001406597.1, NM_001406598.1 and 6 more transcripts); c.1226C>T, p.Pro409Leu (NM_001162427.2, NM_001406610.1); c.1016C>T, p.Pro339Leu (NM_001362177.2, NM_001406614.1, NM_001406615.1 and 5 more transcripts); c.1379C>T, p.Pro460Leu (NM_001406592.1, NM_001406593.1, NM_001406594.1 and 7 more transcripts); c.1223C>T, p.Pro408Leu (NM_001406611.1, NM_001406612.1, NM_001406613.1); c.1013C>T, p.Pro338Leu (NM_001406620.1, NM_001406621.1, NM_001406622.1 and 2 more transcripts); c.428C>T, p.Pro143Leu (NM_001406626.1); c.425C>T, p.Pro142Leu (NM_001406627.1, NM_001406628.1); and 1 more; short protein forms P109L, P142L, P143L, P338L, P339L, P408L, P409L, P459L.
Identifiers: ClinVar variation 3231271 (VCV003231271.1), dbSNP rs2538769334, ClinGen allele CA375365968.
Genomic context (GRCh38, chr9:132,906,790, plus strand): 5'-CCTTCTTCTTTATCTTTTTCAATACTATCTTCTTCAGAGGCCAGATCACCTAAAAACCCT[G>A]GAAGATCACTTAGAGTGACAGAACCTTTGCTGCCAGGTGGCTCTTCTGAAGAGAAACAAA-3'
Protein context (NP_000359.1, residues 450-470): SKGSVTLSDL[Pro460Leu]GFLGDLASEE

ClinVar aggregate classification (germline): Uncertain significance (1 of 4 stars; one submission).

Conditions:
Hereditary cancer-predisposing syndrome. Also called: Neoplastic Syndromes, Hereditary; Tumor predisposition; Hereditary neoplastic syndrome; Hereditary Cancer Syndrome. Identifiers: Orphanet 140162, MedGen C0027672, MeSH D009386, MONDO:0015356.

Submission:

Ambry Genetics
Classification: Uncertain significance for Hereditary cancer-predisposing syndrome. Last evaluated: 2023-12-29. Review status: criteria provided, single submitter. Criteria: Ambry Variant Classification Scheme 2023. Collection method: clinical testing. Allele origin: germline.
Comment: The p.P460L variant (also known as c.1379C>T), located in coding exon 12 of the TSC1 gene, results from a C to T substitution at nucleotide position 1379. The proline at codon 460 is replaced by leucine, an amino acid with similar properties. This amino acid position is conserved. In addition, the in silico prediction for this alteration is inconclusive. Since supporting evidence is limited at this time, the clinical significance of this alteration remains unclear.